The following is an entry in ClinVar:

ClinVar aggregate classification (germline): Uncertain significance. Review status: criteria provided, multiple submitters, no conflicts (2 of 4 stars). 2 submissions from 2 submitters: Uncertain significance (2). Last evaluated 2025-08-25.

Allele frequency attached by ClinVar (database versions not stated): TOPMed below 0.00001; gnomAD 0.00001; ExAC 0.00003.
gnomAD v4.1: 13 of 1,613,998 alleles (0.00081%); highest among the groups gnomAD compares: Non-Finnish European, 0.00085%; no homozygotes.

Submissions (2):

Ambry Genetics
Classification: Uncertain significance. Last evaluated: 2025-08-25. Review status: criteria provided, single submitter. Criteria: Ambry Variant Classification Scheme 2023. Collection method: clinical testing. Allele origin: germline.

Labcorp Genetics (formerly Invitae), Labcorp
Classification: Uncertain significance. Last evaluated: 2022-11-03. Review status: criteria provided, single submitter. Criteria: Invitae Variant Classification Sherloc (09022015). Collection method: clinical testing. Allele origin: germline.
Comment: In summary, the available evidence is currently insufficient to determine the role of this variant in disease. Therefore, it has been classified as a Variant of Uncertain Significance. Advanced modeling of protein sequence and biophysical properties (such as structural, functional, and spatial information, amino acid conservation, physicochemical variation, residue mobility, and thermodynamic stability) performed at Invitae indicates that this missense variant is not expected to disrupt ARHGEF10 protein function. This variant has not been reported in the literature in individuals affected with ARHGEF10-related conditions. This variant is present in population databases (rs779422369, gnomAD 0.004%). This sequence change replaces leucine, which is neutral and non-polar, with serine, which is neutral and polar, at codon 772 of the ARHGEF10 protein (p.Leu772Ser).

NM_014629.4(ARHGEF10):c.2315T>C (p.Leu772Ser)

Gene: ARHGEF10 (Rho guanine nucleotide exchange factor 10; plus strand). Cytogenetic location: 8p23.3.
Variant type: single nucleotide variant.
Coding change: c.2315T>C on transcript NM_014629.4 (MANE Select); coding-DNA position 2315, T replaced by C.
Protein change: p.Leu772Ser; replaces leucine 772 with serine.
Molecular consequence: missense variant.
Genome position (GRCh38, 1-based): chr8:1,923,523, T>C. VCF-style: chr8-1923523-T-C. GRCh37 (hg19) VCF-style: chr8-1871689-T-C.
Other names: c.2201T>C, p.Leu734Ser (NM_001308152.2); c.2315T>C, p.Leu772Ser (NM_001308153.3); short protein forms L772S, L734S, L796S.
Identifiers: ClinVar variation 2723423 (VCV002723423.4), dbSNP rs779422369, ClinGen allele CA4600830.